The following is an entry in ClinVar:

ClinVar aggregate classification (germline): Likely pathogenic (1 of 4 stars; one submission).

Submission:

GeneDx
Classification: Likely pathogenic. Last evaluated: 2014-05-08. Review status: criteria provided, single submitter. Criteria: GeneDx Variant Classification (06012015). Collection method: clinical testing. Allele origin: germline. Affected: yes.
Comment: p.Tyr122Asp (TAC>GAC): c.364 T>G in exon 1 of the DES gene (NM_001927.3) The Y122D variant has not been published as a mutation, nor has it been reported as a benign polymorphism to our knowledge. The Y122D variant was not observed in approximately 6,500 individuals of European and African American ancestry in the NHLBI Exome Sequencing Project, indicating it is not a common benign variant in these populations. The Y122D variant is a non-conservative amino acid substitution, which is likely to impact secondary protein structure as these residues differ in polarity, charge, size and/or other properties. This substitution occurs at a position that is conserved across species. In silico analysis predicts this variant is probably damaging to the protein structure/function. Furthermore, a missense mutation in a nearby residue (A120D) have been reported in association with cardiomyopathy, supporting the functional importance of this region of the protein. Therefore, this variant is a strong candidate for a pathogenic mutation, however the possibility that it is a benign variant cannot be excluded. The variant is found in CARDIOMYOPATHY panel(s).

NM_001927.4(DES):c.364T>G (p.Tyr122Asp)

Gene: DES (desmin; plus strand). Cytogenetic location: 2q35.
Variant type: single nucleotide variant.
Coding change: c.364T>G on transcript NM_001927.4 (MANE Select); coding-DNA position 364, T replaced by G.
Protein change: p.Tyr122Asp; replaces tyrosine 122 with aspartic acid.
Molecular consequence: missense variant.
Genome position (GRCh38, 1-based): chr2:219,418,826, T>G. VCF-style: chr2-219418826-T-G. GRCh37 (hg19) VCF-style: chr2-220283548-T-G.
Other names: p.Y122D:TAC>GAC; c.364T>G (LRG_380t1); short protein forms Y122D.
Identifiers: ClinVar variation 201721 (VCV000201721.2), dbSNP rs794728994, ClinGen allele CA308313.
Genomic context (GRCh38, chr2:219,418,826, plus strand): 5'-CTGACCACGCGCACCAACGAGAAGGTGGAGCTGCAGGAGCTCAATGACCGCTTCGCCAAC[T>G]ACATCGAGAAGGTGCGCTTCCTGGAGCAGCAGAACGCGGCGCTCGCCGCCGAAGTGAACC-3'
Protein context (NP_001918.3, residues 112-132): LQELNDRFAN[Tyr122Asp]IEKVRFLEQQ